The following is an entry in ClinVar:

ClinVar aggregate classification (germline): Uncertain significance (1 of 4 stars; one submission).

Submission:

Labcorp Genetics (formerly Invitae), Labcorp
Classification: Uncertain significance. Last evaluated: 2024-08-17. Review status: criteria provided, single submitter. Criteria: Invitae Variant Classification Sherloc (09022015). Collection method: clinical testing. Allele origin: germline.
Comment: This sequence change affects an acceptor splice site in intron 20 of the ITGAM gene. It is expected to disrupt RNA splicing. Variants that disrupt the donor or acceptor splice site typically lead to a loss of protein function (PMID: 16199547), however the current clinical and genetic evidence is not sufficient to establish whether loss-of-function variants in ITGAM cause disease. This variant is not present in population databases (gnomAD no frequency). This variant has not been reported in the literature in individuals affected with ITGAM-related conditions. Algorithms developed to predict the effect of sequence changes on RNA splicing suggest that this variant may disrupt the consensus splice site. In summary, the available evidence is currently insufficient to determine the role of this variant in disease. Therefore, it has been classified as a Variant of Uncertain Significance.

Literature cited by the submitters: PubMed 16199547.

NM_000632.4(ITGAM):c.2506-1G>A

Gene: ITGAM (integrin subunit alpha M; plus strand). Cytogenetic location: 16p11.2.
Variant type: single nucleotide variant.
Coding change: c.2506-1G>A on transcript NM_000632.4 (MANE Select); the canonical splice acceptor site of the intron before coding-DNA position 2506, G replaced by A.
Molecular consequence: splice acceptor variant.
Genome position (GRCh38, 1-based): chr16:31,325,499, G>A. VCF-style: chr16-31325499-G-A. GRCh37 (hg19) VCF-style: chr16-31336820-G-A.
Other names: c.2509-1G>A (NM_001145808.2).
Identifiers: ClinVar variation 3662711 (VCV003662711.2).